The following is an entry in ClinVar:

NM_005120.3(MED12):c.5551+3G>A

Gene: MED12 (mediator complex subunit 12; plus strand). Cytogenetic location: Xq13.1.
Variant type: single nucleotide variant.
Coding change: c.5551+3G>A on transcript NM_005120.3 (MANE Select); 3 bases into the intron after coding-DNA position 5551, G replaced by A.
Molecular consequence: intron variant.
Genome position (GRCh38, 1-based): chrX:71,137,032, G>A. VCF-style: chrX-71137032-G-A. GRCh37 (hg19) VCF-style: chrX-70356882-G-A.
Identifiers: ClinVar variation 4805617 (VCV004805617.1).

ClinVar aggregate classification (germline): Uncertain significance (1 of 4 stars; one submission).

Conditions:
FG syndrome (FGS). Identifiers: MedGen C0220769, MONDO:0002010.

Submission:

Labcorp Genetics (formerly Invitae), Labcorp
Classification: Uncertain significance for FG syndrome. Last evaluated: 2025-08-25. Review status: criteria provided, single submitter. Criteria: Invitae Variant Classification Sherloc (09022015). Collection method: clinical testing. Allele origin: germline.
Comment: This sequence change falls in intron 38 of the MED12 gene. It does not directly change the encoded amino acid sequence of the MED12 protein. It affects a nucleotide within the consensus splice site. This variant is not present in population databases (gnomAD no frequency). This variant has not been reported in the literature in individuals affected with MED12-related conditions. Variants that disrupt the consensus splice site are a relatively common cause of aberrant splicing (PMID: 17576681, 9536098). Algorithms developed to predict the effect of sequence changes on RNA splicing suggest that this variant is not likely to affect RNA splicing. In summary, the available evidence is currently insufficient to determine the role of this variant in disease. Therefore, it has been classified as a Variant of Uncertain Significance.

Literature cited by the submitters: PubMed 17576681; PubMed 9536098.